The following is an entry in ClinVar:

ClinVar aggregate classification (germline): Uncertain significance (1 of 4 stars; one submission).

Conditions:
Hereditary cancer-predisposing syndrome. Also called: Neoplastic Syndromes, Hereditary; Tumor predisposition; Hereditary Cancer Syndrome; Hereditary neoplastic syndrome. Identifiers: Orphanet 140162, MedGen C0027672, MeSH D009386, MONDO:0015356.
Cardiovascular phenotype. Identifiers: MedGen CN230736.

Submission:

Ambry Genetics
Classification: Uncertain significance for Cardiovascular phenotype; Hereditary cancer-predisposing syndrome. Last evaluated: 2022-06-27. Review status: criteria provided, single submitter. Criteria: Ambry Variant Classification Scheme 2023. Collection method: clinical testing. Allele origin: germline.
Comment: The p.H2569P variant (also known as c.7706A>C), located in coding exon 52 of the NF1 gene, results from an A to C substitution at nucleotide position 7706. The histidine at codon 2569 is replaced by proline, an amino acid with similar properties. This amino acid position is conserved. In addition, the in silico prediction for this alteration is inconclusive. Since supporting evidence is limited at this time, the clinical significance of this alteration remains unclear.

NM_001042492.3(NF1):c.7769A>C (p.His2590Pro)

Gene: NF1 (neurofibromin 1; plus strand). Cytogenetic location: 17q11.2.
Variant type: single nucleotide variant.
Coding change: c.7769A>C on transcript NM_001042492.3 (MANE Select); coding-DNA position 7769, A replaced by C.
Protein change: p.His2590Pro; replaces histidine 2590 with proline.
Molecular consequence: missense variant.
Genome position (GRCh38, 1-based): chr17:31,356,990, A>C. VCF-style: chr17-31356990-A-C. GRCh37 (hg19) VCF-style: chr17-29684008-A-C.
Other names: c.7706A>C, p.His2569Pro (NM_000267.4); short protein forms H2569P, H2590P.
Identifiers: ClinVar variation 1760232 (VCV001760232.2), dbSNP rs2508827251, ClinGen allele CA399018404.